The following is an entry in ClinVar:

ClinVar aggregate classification (germline): Uncertain significance (0 of 4 stars; one submission).

Conditions:
SEMA3G-related disorder. Also called: SEMA3G-related condition.

Allele frequency attached by ClinVar (database versions not stated): TOPMed below 0.00001; gnomAD exomes 0.00001.
gnomAD v4.1: 5 of 1,611,508 alleles (0.00031%); highest among the groups gnomAD compares: Non-Finnish European, 0.00042%; no homozygotes.

Submission:

PreventionGenetics, part of Exact Sciences
Classification: Uncertain significance for SEMA3G-related condition. Last evaluated: 2024-09-23. Review status: no assertion criteria provided. Collection method: clinical testing. Allele origin: germline.
Comment: The SEMA3G c.1904A>C variant is predicted to result in the amino acid substitution p.His635Pro. To our knowledge, this variant has not been reported in the literature. This variant is reported in 0.0018% of alleles in individuals of European (Non-Finnish) descent in gnomAD. At this time, the clinical significance of this variant is uncertain due to the absence of conclusive functional and genetic evidence.

NM_020163.3(SEMA3G):c.1904A>C (p.His635Pro)

Gene: SEMA3G (semaphorin 3G; minus strand). Cytogenetic location: 3p21.1.
Variant type: single nucleotide variant.
Coding change: c.1904A>C on transcript NM_020163.3 (MANE Select); coding-DNA position 1904, A replaced by C.
Protein change: p.His635Pro; replaces histidine 635 with proline.
Molecular consequence: missense variant.
Genome position (GRCh38, 1-based): chr3:52,436,048, T>G on the plus strand (A>C on the coding strand, the complement: SEMA3G is on the minus strand). VCF-style: chr3-52436048-T-G. GRCh37 (hg19) VCF-style: chr3-52470064-T-G.
Other names: short protein forms H635P.
Identifiers: ClinVar variation 3032063 (VCV003032063.2), dbSNP rs1559608241, ClinGen allele CA353137970.